The following is an entry in ClinVar:

ClinVar aggregate classification (germline): Uncertain significance (1 of 4 stars; one submission).

gnomAD v4.1: 1 of 1,612,856 alleles (0.000062%); highest among the groups gnomAD compares: Non-Finnish European, 0.000085%; no homozygotes.

Submission:

Ambry Genetics
Classification: Uncertain significance. Last evaluated: 2025-03-07. Review status: criteria provided, single submitter. Criteria: Ambry Variant Classification Scheme 2023. Collection method: clinical testing. Allele origin: germline.
Comment: The p.S458F variant (also known as c.1373C>T), located in coding exon 8 of the ATRIP gene, results from a C to T substitution at nucleotide position 1373. The serine at codon 458 is replaced by phenylalanine, an amino acid with highly dissimilar properties. This amino acid position is conserved. In addition, this alteration is predicted to be tolerated by in silico analysis. Based on the available evidence, the clinical significance of this variant remains unclear.

NM_130384.3(ATRIP):c.1373C>T (p.Ser458Phe)

Genes: ATRIP (ATR interacting protein; plus strand), ATRIP-TREX1 (ATRIP-TREX1 readthrough; plus strand). Cytogenetic location: 3p21.31.
Variant type: single nucleotide variant.
Coding change: c.1373C>T on transcript NM_130384.3 (MANE Select); coding-DNA position 1373, C replaced by T.
Protein change: p.Ser458Phe; replaces serine 458 with phenylalanine.
Molecular consequence: missense variant. On other transcripts: non-coding transcript variant (1).
Genome position (GRCh38, 1-based): chr3:48,460,427, C>T. VCF-style: chr3-48460427-C-T. GRCh37 (hg19) VCF-style: chr3-48501826-C-T.
Other names: c.992C>T, p.Ser331Phe (NM_001271022.2); c.1094C>T, p.Ser365Phe (NM_001271023.2); c.1373C>T, p.Ser458Phe (NM_032166.4); short protein forms S365F, S331F, S458F.
Identifiers: ClinVar variation 3811174 (VCV003811174.1).